The following is an entry in ClinVar:

NM_006755.2(TALDO1):c.1005T>C (p.Asn335=)

Gene: TALDO1 (transaldolase 1; plus strand). Cytogenetic location: 11p15.5.
Variant type: single nucleotide variant.
Coding change: c.1005T>C on transcript NM_006755.2 (MANE Select); coding-DNA position 1005, T replaced by C.
Protein change: p.Asn335=; no amino-acid change (asparagine 335 retained).
Molecular consequence: synonymous variant.
Genome position (GRCh38, 1-based): chr11:764,836, T>C. VCF-style: chr11-764836-T-C. GRCh37 (hg19) VCF-style: chr11-764836-T-C.
Identifiers: ClinVar variation 3048710 (VCV003048710.2), dbSNP rs1288066290, ClinGen allele CA472334847.

ClinVar aggregate classification (germline): Likely benign (0 of 4 stars; one submission).

Conditions:
TALDO1-related disorder. Also called: TALDO1-related condition.

Submission:

PreventionGenetics, part of Exact Sciences
Classification: Likely benign for TALDO1-related condition. Last evaluated: 2023-04-10. Review status: no assertion criteria provided. Collection method: clinical testing. Allele origin: germline.
Comment: This variant is classified as likely benign based on ACMG/AMP sequence variant interpretation guidelines (Richards et al. 2015 PMID: 25741868, with internal and published modifications).